The following is an entry in ClinVar:

NM_000535.7(PMS2):c.1997A>T (p.Lys666Ile)

Gene: PMS2 (PMS1 homolog 2, mismatch repair system component; minus strand). Cytogenetic location: 7p22.1.
Variant type: single nucleotide variant.
Coding change: c.1997A>T on transcript NM_000535.7 (MANE Select); coding-DNA position 1997, A replaced by T.
Protein change: p.Lys666Ile; replaces lysine 666 with isoleucine.
Molecular consequence: missense variant. On other transcripts: non-coding transcript variant (1), intron variant (1).
Genome position (GRCh38, 1-based): chr7:5,986,768, T>A on the plus strand (A>T on the coding strand, the complement: PMS2 is on the minus strand). VCF-style: chr7-5986768-T-A. GRCh37 (hg19) VCF-style: chr7-6026399-T-A.
Other names: c.1592A>T, p.Lys531Ile (NM_001018040.1, NM_001322003.2, NM_001322004.2 and 17 more transcripts); c.1841A>T, p.Lys614Ile (NM_001322006.2, NM_001406870.1); c.1679A>T, p.Lys560Ile (NM_001322007.2, NM_001322008.2, NM_001406876.1 and 2 more transcripts); c.1436A>T, p.Lys479Ile (NM_001322010.2, NM_001406906.1, NM_001406907.1); c.1064A>T, p.Lys355Ile (NM_001322011.2, NM_001322012.2); c.1424A>T, p.Lys475Ile (NM_001322013.2, NM_001406909.1); c.1997A>T, p.Lys666Ile (NM_001322014.2, NM_001406871.1, NM_001406872.1); c.1688A>T, p.Lys563Ile (NM_001322015.2, NM_001406875.1, NM_001406877.1 and 5 more transcripts); and 13 more; short protein forms K495I, K560I, K630I, K674I, K728I, K479I, K511I, K355I.
Identifiers: ClinVar variation 2586341 (VCV002586341.2), dbSNP rs2128719994, ClinGen allele CA366738894.

ClinVar aggregate classification (germline): Uncertain significance (1 of 4 stars; one submission).

Conditions:
Hereditary cancer-predisposing syndrome. Also called: Hereditary neoplastic syndrome; Tumor predisposition; Hereditary Cancer Syndrome; Neoplastic Syndromes, Hereditary. Identifiers: Orphanet 140162, MedGen C0027672, MeSH D009386, MONDO:0015356.

Submission:

Ambry Genetics
Classification: Uncertain significance for Hereditary cancer-predisposing syndrome. Last evaluated: 2023-08-14. Review status: criteria provided, single submitter. Criteria: Ambry Variant Classification Scheme 2023. Collection method: clinical testing. Allele origin: germline.
Comment: The p.K666I variant (also known as c.1997A>T), located in coding exon 11 of the PMS2 gene, results from an A to T substitution at nucleotide position 1997. The lysine at codon 666 is replaced by isoleucine, an amino acid with dissimilar properties. This amino acid position is conserved. In addition, the in silico prediction for this alteration is inconclusive. Since supporting evidence is limited at this time, the clinical significance of this alteration remains unclear.